The following is an entry in ClinVar:

NM_000545.8(HNF1A):c.526+1G>T

Gene: HNF1A (HNF1 homeobox A; plus strand). Cytogenetic location: 12q24.31.
Variant type: single nucleotide variant.
Coding change: c.526+1G>T on transcript NM_000545.8 (MANE Select); the canonical splice donor site of the intron after coding-DNA position 526, G replaced by T.
Molecular consequence: splice donor variant.
Genome position (GRCh38, 1-based): chr12:120,989,033, G>T. VCF-style: chr12-120989033-G-T. GRCh37 (hg19) VCF-style: chr12-121426836-G-T.
Other names: NM_001306179.2:c.526+1G>T; c.526+1G>T (NM_001306179.2, NM_001406915.1).
Identifiers: ClinVar variation 1746441 (VCV001746441.3), dbSNP rs1364708195, ClinGen allele CA386960844.
Genomic context (GRCh38, chr12:120,989,033, plus strand): 5'-CGCAGAAGCGGGCCGCCCTGTACACCTGGTACGTCCGCAAGCAGCGAGAGGTGGCGCAGC[G>T]TAAGTAATGACCCTACCCCGCATCTTCCCTGGGAGGGCCCAGGACTCTCCCCTAACTCAT-3'

ClinVar aggregate classification (germline): Pathogenic. Review status: reviewed by expert panel (3 of 4 stars). 2 submissions from 2 submitters: Pathogenic (1). 1 of the submissions does not count toward it. Last evaluated 2023-12-02.

Conditions:
Maturity-onset diabetes of the young (MODY). Also called: Maturity onset diabetes mellitus in young. Identifiers: Orphanet 552, MedGen C0342276, MONDO:0018911, HP:0004904.
Monogenic diabetes. Identifiers: Orphanet 183625, MedGen C3888631, MONDO:0015967.

Submissions (2):

ClinGen Monogenic Diabetes Variant Curation Expert Panel
Classification: Pathogenic for Monogenic diabetes. Last evaluated: 2023-12-02. Review status: reviewed by expert panel. Criteria: ClinGen Diabetes ACMG Specifications HNF1A V2.1.0. Collection method: curation. Allele origin: germline. Inheritance: Autosomal dominant inheritance.
Comment: The c.526+1G>T variant in the HNF1 homeobox A gene, HNF1A, is predicted to remove a canonical splice donor site in intron 2 of NM_000545.8. This variant is predicted to cause loss of part of exon 2, leading to nonsense-mediated decay in a gene in which loss-of-function is an established disease mechanism (PVS1, PMID: 23348805). This variant is absent from gnomAD v2.1.1 (PM2_Supporting). The HNF1A(NM_000545.8):c.526+1G>A and c.526+1G>C variants at the same canonical nucleotide have been classified as pathogenic for monogenic diabetes by the ClinGen MDEP, and c.526+1G>T has a similar predicted impact by Splice AI (donor loss 100% and donor gain at -33bp 65%) (PS1_Supporting). This variant segregated with diabetes with one informative meioses in a single family; however, this does not meet the thresholds for PP1 set by the ClinGen MDEP. In summary, c.526+1G>T meets the criteria to be classified as pathogenic for monogenic diabetes. ACMG/AMP criteria applied, as specified by the ClinGen MDEP (specification version 2.1.1, approved 8/11/2023): PVS1, PS1_Supporting, PM2_Supporting.

Ambry Genetics
Classification: Pathogenic for Maturity-onset diabetes of the young. Last evaluated: 2018-06-18. Review status: criteria provided, single submitter. Criteria: Ambry Variant Classification Scheme 2023. Collection method: clinical testing. Allele origin: germline. Not counted in ClinVar's aggregate classification.
Comment: The c.526+1G>T intronic pathogenic mutation results from a G to T substitution one nucleotide after coding exon 2 of the HNF1A gene. While this specific mutation has not been reported in the literature to date, two other mutations at the same location, c.526+1G>A and c.526+1G>C, have been reported in maturity-onset diabetes of the young (MODY)-3 patients (Frayling et al. Diabetes. 2001 Feb;50 Suppl1:S94-100; Bellanne-Chantelot et al. Diabetes. 2008 Feb;57(2):503-8; Habeb et al.Ann Saudi Med. 2011 Mar-Apr;31(2):190-3). In addition to the clinical data presented in the literature, alterations that disrupt the canonical splice site are expected to cause aberrant splicing, resulting in an abnormal protein or a transcript that is subject to nonsense-mediated mRNA decay. As such, this alteration is classified as pathogenic.